The following is an entry in ClinVar:

ClinVar aggregate classification (germline): Uncertain significance (1 of 4 stars; one submission).

Allele frequency attached by ClinVar (database versions not stated): gnomAD exomes below 0.00001; ExAC 0.00001; TOPMed 0.00002.
gnomAD v4.1: 6 of 1,612,726 alleles (0.00037%); highest among the groups gnomAD compares: Admixed American, 0.005%; no homozygotes.

Submission:

Labcorp Genetics (formerly Invitae), Labcorp
Classification: Uncertain significance. Last evaluated: 2023-06-26. Review status: criteria provided, single submitter. Criteria: Invitae Variant Classification Sherloc (09022015). Collection method: clinical testing. Allele origin: germline.
Comment: In summary, the available evidence is currently insufficient to determine the role of this variant in disease. Therefore, it has been classified as a Variant of Uncertain Significance. An algorithm developed to predict the effect of missense changes on protein structure and function (PolyPhen-2) suggests that this variant is likely to be disruptive. ClinVar contains an entry for this variant (Variation ID: 1949352). This variant has not been reported in the literature in individuals affected with ADGRV1-related conditions. This variant is present in population databases (rs781545986, gnomAD 0.006%). This sequence change replaces tyrosine, which is neutral and polar, with cysteine, which is neutral and slightly polar, at codon 4863 of the ADGRV1 protein (p.Tyr4863Cys).

NM_032119.4(ADGRV1):c.14588A>G (p.Tyr4863Cys)

Gene: ADGRV1 (adhesion G protein-coupled receptor V1; plus strand). Cytogenetic location: 5q14.3.
Variant type: single nucleotide variant.
Coding change: c.14588A>G on transcript NM_032119.4 (MANE Select); coding-DNA position 14588, A replaced by G.
Protein change: p.Tyr4863Cys; replaces tyrosine 4863 with cysteine.
Molecular consequence: missense variant. On other transcripts: non-coding transcript variant (1).
Genome position (GRCh38, 1-based): chr5:90,802,809, A>G. VCF-style: chr5-90802809-A-G. GRCh37 (hg19) VCF-style: chr5-90098626-A-G.
Other names: short protein forms Y4863C.
Identifiers: ClinVar variation 1949352 (VCV001949352.3), dbSNP rs781545986, ClinGen allele CA3341763.